The following is an entry in ClinVar:

NM_001127198.5(TMC6):c.1852A>T (p.Ile618Phe)

Gene: TMC6 (transmembrane channel like 6; minus strand). Cytogenetic location: 17q25.3.
Variant type: single nucleotide variant.
Coding change: c.1852A>T on transcript NM_001127198.5 (MANE Select); coding-DNA position 1852, A replaced by T.
Protein change: p.Ile618Phe; replaces isoleucine 618 with phenylalanine.
Molecular consequence: missense variant.
Genome position (GRCh38, 1-based): chr17:78,119,006, T>A on the plus strand (A>T on the coding strand, the complement: TMC6 is on the minus strand). VCF-style: chr17-78119006-T-A. GRCh37 (hg19) VCF-style: chr17-76115087-T-A.
Other names: c.1852A>T, p.Ile618Phe (NM_001321185.1, NM_001374596.1, NM_001375353.1 and 2 more transcripts); c.1672A>T, p.Ile558Phe (NM_001374593.1, NM_001374594.1); c.1852A>T (NM_007267.6); short protein forms I558F, I618F.
Identifiers: ClinVar variation 1016828 (VCV001016828.10), dbSNP rs1259542640, ClinGen allele CA401226307.

ClinVar aggregate classification (germline): Uncertain significance. Review status: criteria provided, multiple submitters, no conflicts (2 of 4 stars). 2 submissions from 2 submitters: Uncertain significance (2). Last evaluated 2022-04-06.

Conditions:
Epidermodysplasia verruciformis. Identifiers: Orphanet 302, MedGen C0014522, MONDO:0009176.
Inborn genetic diseases. Identifiers: MedGen C0950123, MeSH D030342.

Allele frequency attached by ClinVar (database versions not stated): gnomAD exomes 0.00001.
gnomAD v4.1: 4 of 1,605,480 alleles (0.00025%); highest among the groups gnomAD compares: Non-Finnish European, 0.00017%; no homozygotes.

Submissions (2):

Ambry Genetics
Classification: Uncertain significance for Inborn genetic diseases. Last evaluated: 2022-04-06. Review status: criteria provided, single submitter. Criteria: Ambry Variant Classification Scheme 2023. Collection method: clinical testing. Allele origin: germline.

Labcorp Genetics (formerly Invitae), Labcorp
Classification: Uncertain significance for Epidermodysplasia verruciformis. Last evaluated: 2020-03-25. Review status: criteria provided, single submitter. Criteria: Invitae Variant Classification Sherloc (09022015). Collection method: clinical testing. Allele origin: germline.
Comment: This sequence change replaces isoleucine with phenylalanine at codon 618 of the TMC6 protein (p.Ile618Phe). The isoleucine residue is moderately conserved and there is a small physicochemical difference between isoleucine and phenylalanine. This variant is not present in population databases (ExAC no frequency). This variant has not been reported in the literature in individuals with TMC6-related conditions. Algorithms developed to predict the effect of missense changes on protein structure and function are either unavailable or do not agree on the potential impact of this missense change (SIFT: "Not Available"; PolyPhen-2: "Possibly Damaging"; Align-GVGD: "Not Available"). In summary, the available evidence is currently insufficient to determine the role of this variant in disease. Therefore, it has been classified as a Variant of Uncertain Significance.